The following is an entry in ClinVar:

NM_004385.5(VCAN):c.1096A>C (p.Ser366Arg)

Gene: VCAN (versican; plus strand). Cytogenetic location: 5q14.3.
Variant type: single nucleotide variant.
Coding change: c.1096A>C on transcript NM_004385.5 (MANE Select); coding-DNA position 1096, A replaced by C.
Protein change: p.Ser366Arg; replaces serine 366 with arginine.
Molecular consequence: missense variant. On other transcripts: intron variant (2).
Genome position (GRCh38, 1-based): chr5:83,519,402, A>C. VCF-style: chr5-83519402-A-C. GRCh37 (hg19) VCF-style: chr5-82815221-A-C.
Other names: c.1096A>C, p.Ser366Arg (NM_001164098.2); c.1042+7006A>C (NM_001164097.2, NM_001126336.3); short protein forms S366R.
Identifiers: ClinVar variation 4733056 (VCV004733056.1).

ClinVar aggregate classification (germline): Uncertain significance (1 of 4 stars; one submission).

gnomAD v4.1: 3 of 1,614,112 alleles (0.00019%); highest among the groups gnomAD compares: East Asian, 0.0067%; no homozygotes.

Submission:

Labcorp Genetics (formerly Invitae), Labcorp
Classification: Uncertain significance. Last evaluated: 2025-12-12. Review status: criteria provided, single submitter. Criteria: Invitae Variant Classification Sherloc (09022015). Collection method: clinical testing. Allele origin: germline.
Comment: This sequence change replaces serine, which is neutral and polar, with arginine, which is basic and polar, at codon 366 of the VCAN protein (p.Ser366Arg). This variant is not present in population databases (gnomAD no frequency). This variant has not been reported in the literature in individuals affected with VCAN-related conditions. An algorithm developed to predict the effect of missense changes on protein structure and function (PolyPhen-2) suggests that this variant is likely to be tolerated. In summary, the available evidence is currently insufficient to determine the role of this variant in disease. Therefore, it has been classified as a Variant of Uncertain Significance.